The following is an entry in ClinVar:

NC_000023.10:g.(?_31332523)_(31462764_?)dup

Gene: DMD (dystrophin; minus strand). Cytogenetic location: Xp21.2.
Variant type: Duplication.
Identifiers: ClinVar variation 584029 (VCV000584029.8).

ClinVar aggregate classification (germline): Pathogenic (1 of 4 stars; one submission).

Conditions:
Duchenne muscular dystrophy (DMD). Also called: MUSCULAR DYSTROPHY, PSEUDOHYPERTROPHIC PROGRESSIVE, DUCHENNE TYPE; Duchenne Muscular Dystrophy (DMD). Identifiers: Orphanet 98896, MedGen C0013264, MONDO:0010679, OMIM 310200.

Submission:

Labcorp Genetics (formerly Invitae), Labcorp
Classification: Pathogenic for Duchenne muscular dystrophy. Last evaluated: 2018-03-08. Review status: criteria provided, single submitter. Criteria: Invitae Variant Classification Sherloc (09022015). Collection method: clinical testing. Allele origin: germline.
Comment: This variant is a gross duplication of the genomic region encompassing exons 60-62 of the DMD gene. While the exact position of the duplicated exons cannot be determined from this data, sub-genic duplications are generally in tandem (PMID: 25640679) and may result in an absent or disrupted protein product. A similar duplication of exons 60-62 has been reported in several individuals affected with DMD-related dystrophinopathies (PMID: 19602481, 19367636, 28116794). Loss-of-function variants in DMD are known to be pathogenic (PMID: 16770791, 25007885). For these reasons, this variant has been classified as Pathogenic.

Literature cited by the submitters: PubMed 25640679; PubMed 19602481; PubMed 19367636; PubMed 28116794; PubMed 16770791; PubMed 25007885.